The following is an entry in ClinVar:

NM_000548.5(TSC2):c.4542A>C (p.Ser1514=)

Gene: TSC2 (TSC complex subunit 2; plus strand). Cytogenetic location: 16p13.3.
Variant type: single nucleotide variant.
Coding change: c.4542A>C on transcript NM_000548.5 (MANE Select); coding-DNA position 4542, A replaced by C.
Protein change: p.Ser1514=; no amino-acid change (serine 1514 retained).
Molecular consequence: synonymous variant. On other transcripts: non-coding transcript variant (5).
Genome position (GRCh38, 1-based): chr16:2,084,999, A>C. VCF-style: chr16-2084999-A-C. GRCh37 (hg19) VCF-style: chr16-2135000-A-C.
Other names: c.3870A>C, p.Ser1290= (NM_001406684.1); c.3744A>C, p.Ser1248= (NM_001406685.1, NM_001406686.1); c.3741A>C, p.Ser1247= (NM_001406687.1, NM_001406688.1); c.3129A>C, p.Ser1043= (NM_001406689.1); c.3069A>C, p.Ser1023= (NM_001406690.1); c.3066A>C, p.Ser1022= (NM_001406691.1); c.3000A>C, p.Ser1000= (NM_001406692.1, NM_001406693.1, NM_001406694.1); c.2997A>C, p.Ser999= (NM_001406695.1, NM_001406696.1, NM_001406697.1); and 26 more.
Identifiers: ClinVar variation 4071350 (VCV004071350.1).

ClinVar aggregate classification (germline): Benign (1 of 4 stars; one submission).

Conditions:
Tuberous sclerosis 2 (TSC2). Identifiers: Orphanet 805, MedGen C1860707, MONDO:0013199, OMIM 613254.

gnomAD v4.1: 1 of 1,613,300 alleles (0.000062%); highest among the groups gnomAD compares: Non-Finnish European, 0.000085%; no homozygotes.

Submission:

Myriad Genetics, Inc.
Classification: Benign for Tuberous sclerosis 2. Last evaluated: 2025-06-04. Review status: criteria provided, single submitter. Criteria: Myriad Autosomal Dominant, Autosomal Recessive and X-Linked Classification Criteria (2023). Collection method: clinical testing. Allele origin: unknown.
Comment: This variant is considered benign. This variant is a silent/synonymous amino acid change and it is not expected to impact splicing.